The following is an entry in ClinVar:

NM_021224.6(ZNF462):c.221G>C (p.Gly74Ala)

Gene: ZNF462 (zinc finger protein 462; plus strand). Cytogenetic location: 9q31.2.
Variant type: single nucleotide variant.
Coding change: c.221G>C on transcript NM_021224.6 (MANE Select); coding-DNA position 221, G replaced by C.
Protein change: p.Gly74Ala; replaces glycine 74 with alanine.
Molecular consequence: missense variant.
Genome position (GRCh38, 1-based): chr9:106,924,133, G>C. VCF-style: chr9-106924133-G-C. GRCh37 (hg19) VCF-style: chr9-109686414-G-C.
Other names: c.221G>C, p.Gly74Ala (NM_001347997.2); short protein forms G74A.
Identifiers: ClinVar variation 4527311 (VCV004527311.1).
Genomic context (GRCh38, chr9:106,924,133, plus strand): 5'-GCATGATTGGATATTTTAATTATCTTTTGCTTTGTCACTTTCCTTATGCTTTTTCTTTAG[G>C]TCAAAATGCAACTTCATTGGGGACCGGAGGTTACTATGGCCACAGTCCAGGATATTATGG-3'
Protein context (NP_067047.4, residues 64-84): DEFAIAEDLS[Gly74Ala]QNATSLGTGG

ClinVar aggregate classification (germline): Uncertain significance (1 of 4 stars; one submission).

Submission:

GeneDx
Classification: Uncertain significance. Last evaluated: 2025-04-22. Review status: criteria provided, single submitter. Criteria: GeneDx Variant Classification Process June 2021. Collection method: clinical testing. Allele origin: germline. Affected: yes.
Comment: Not observed at significant frequency in large population cohorts (gnomAD); In silico analysis indicates that this missense variant does not alter protein structure/function; Has not been previously published as pathogenic or benign to our knowledge